The following is an entry in ClinVar:

ClinVar aggregate classification (germline): Uncertain significance (1 of 4 stars; one submission).

Conditions:
PPARG-related disorder. Also called: PPARG-related disorders; PPARG-related condition.

gnomAD v4.1: 1 of 1,613,916 alleles (0.000062%); highest among the groups gnomAD compares: Non-Finnish European, 0.000085%; no homozygotes.

Submission:

PreventionGenetics, part of Exact Sciences
Classification: Uncertain significance for PPARG-related condition. Last evaluated: 2025-09-04. Review status: criteria provided, single submitter. Criteria: ACMG Guidelines, 2015. Collection method: clinical testing. Allele origin: germline.
Comment: The PPARG c.1075G>C variant is predicted to result in the amino acid substitution p.Ala359Pro. To our knowledge, this variant has not been reported in the literature or in a large population database (gnomAD), indicating this variant is rare. At this time, the clinical significance of this variant is uncertain due to the absence of conclusive functional and genetic evidence.

NM_138711.6(PPARG):c.985G>C (p.Ala329Pro)

Gene: PPARG (peroxisome proliferator activated receptor gamma; plus strand). Cytogenetic location: 3p25.2.
Variant type: single nucleotide variant.
Coding change: c.985G>C on transcript NM_138711.6 (MANE Select); coding-DNA position 985, G replaced by C.
Protein change: p.Ala329Pro; replaces alanine 329 with proline.
Molecular consequence: missense variant. On other transcripts: intron variant (5).
Genome position (GRCh38, 1-based): chr3:12,416,959, G>C. VCF-style: chr3-12416959-G-C. GRCh37 (hg19) VCF-style: chr3-12458458-G-C.
Other names: c.985G>C, p.Ala329Pro (NM_001354666.3, NM_001354667.3, NM_001374263.2 and 3 more transcripts); c.358G>C, p.Ala120Pro (NM_001354669.2); c.1075G>C, p.Ala359Pro (NM_015869.5); c.729+10878G>C (NM_001374261.3, NM_001374262.3, NM_001330615.4); c.653+10960G>C (NM_001374266.1); c.819+10878G>C (NM_001374265.1); short protein forms A120P, A329P, A359P.
Identifiers: ClinVar variation 4994795 (VCV004994795.1).
Genomic context (GRCh38, chr3:12,416,959, plus strand): 5'-TTGAACGACCAAGTAACTCTCCTCAAATATGGAGTCCACGAGATCATTTACACAATGCTG[G>C]CCTCCTTGATGAATAAAGATGGGGTTCTCATATCCGAGGGCCAAGGCTTCATGACAAGGG-3'
Protein context (NP_619725.3, residues 319-339): GVHEIIYTML[Ala329Pro]SLMNKDGVLI